The following is an entry in ClinVar:

ClinVar aggregate classification (germline): Uncertain significance (1 of 4 stars; one submission).

Conditions:
46,XY sex reversal 6. Also called: 46,XY SEX REVERSAL, PARTIAL OR COMPLETE, MAP3K1-RELATED; 46,XY GONADAL DYSGENESIS, PARTIAL OR COMPLETE, MAP3K1-RELATED. Identifiers: MedGen C3151064, MONDO:0013410, OMIM 613762.

gnomAD v4.1: 151 of 1,613,972 alleles (0.0094%); highest among the groups gnomAD compares: Non-Finnish European, 0.011%; no homozygotes.

Submission:

Labcorp Genetics (formerly Invitae), Labcorp
Classification: Uncertain significance for 46,XY sex reversal 6. Last evaluated: 2024-10-10. Review status: criteria provided, single submitter. Criteria: Invitae Variant Classification Sherloc (09022015). Collection method: clinical testing. Allele origin: germline.
Comment: This sequence change replaces arginine, which is basic and polar, with histidine, which is basic and polar, at codon 853 of the MAP3K1 protein (p.Arg853His). This variant is present in population databases (rs768180463, gnomAD 0.01%), and has an allele count higher than expected for a pathogenic variant. This variant has not been reported in the literature in individuals affected with MAP3K1-related conditions. Invitae Evidence Modeling of protein sequence and biophysical properties (such as structural, functional, and spatial information, amino acid conservation, physicochemical variation, residue mobility, and thermodynamic stability) indicates that this missense variant is not expected to disrupt MAP3K1 protein function with a negative predictive value of 80%. In summary, the available evidence is currently insufficient to determine the role of this variant in disease. Therefore, it has been classified as a Variant of Uncertain Significance.

NM_005921.2(MAP3K1):c.2558G>A (p.Arg853His)

Gene: MAP3K1 (mitogen-activated protein kinase kinase kinase 1; plus strand). Cytogenetic location: 5q11.2.
Variant type: single nucleotide variant.
Coding change: c.2558G>A on transcript NM_005921.2 (MANE Select); coding-DNA position 2558, G replaced by A.
Protein change: p.Arg853His; replaces arginine 853 with histidine.
Molecular consequence: missense variant.
Genome position (GRCh38, 1-based): chr5:56,881,758, G>A. VCF-style: chr5-56881758-G-A. GRCh37 (hg19) VCF-style: chr5-56177585-G-A.
Other names: short protein forms R853H.
Identifiers: ClinVar variation 3631937 (VCV003631937.2).